The following is an entry in ClinVar:

ClinVar aggregate classification (germline): Benign/Likely benign. Review status: criteria provided, multiple submitters, no conflicts (2 of 4 stars). 4 submissions from 4 submitters: Benign (1); Likely benign (2). 1 of the submissions does not count toward it. Last evaluated 2025-12-22.

Conditions:
MET-related disorder. Also called: MET-related condition.
Renal cell carcinoma. Identifiers: Orphanet 217071, MedGen C0007134, MeSH D002292, MONDO:0005086, HP:0005584.
Hereditary cancer-predisposing syndrome. Also called: Hereditary neoplastic syndrome; Neoplastic Syndromes, Hereditary; Tumor predisposition; Hereditary Cancer Syndrome. Identifiers: Orphanet 140162, MedGen C0027672, MeSH D009386, MONDO:0015356.
Papillary renal cell carcinoma type 1 (RCCP1). Also called: Renal adenocarcinoma; Renal cell carcinoma 1; Renal cell carcinoma, somatic; RENAL CELL CARCINOMA, PAPILLARY, 1, SOMATIC. Identifiers: Orphanet 47044, MedGen C1336839, OMIM 605074, HP:0011797.

Allele frequency attached by ClinVar (database versions not stated): gnomAD 0.00001; gnomAD exomes 0.00001.
gnomAD v4.1: 6 of 1,613,982 alleles (0.00037%); highest among the groups gnomAD compares: Admixed American, 0.0067%; no homozygotes.

Submissions (4):

Labcorp Genetics (formerly Invitae), Labcorp
Classification: Likely benign for Renal cell carcinoma. Last evaluated: 2025-12-22. Review status: criteria provided, single submitter. Criteria: Invitae Variant Classification Sherloc (09022015). Collection method: clinical testing. Allele origin: germline.

Myriad Genetics, Inc.
Classification: Benign for Papillary renal cell carcinoma type 1. Last evaluated: 2024-11-14. Review status: criteria provided, single submitter. Criteria: Myriad Autosomal Dominant, Autosomal Recessive and X-Linked Classification Criteria (2023). Collection method: clinical testing. Allele origin: unknown.
Comment: This variant is considered benign. This variant is a silent/synonymous amino acid change and it is not expected to impact splicing.

Ambry Genetics
Classification: Likely benign for Hereditary cancer-predisposing syndrome. Last evaluated: 2017-08-25. Review status: criteria provided, single submitter. Criteria: Ambry Variant Classification Scheme 2023. Collection method: clinical testing. Allele origin: germline.

PreventionGenetics, part of Exact Sciences
Classification: Likely benign for MET-related condition. Last evaluated: 2021-12-17. Review status: no assertion criteria provided. Collection method: clinical testing. Allele origin: germline. Not counted in ClinVar's aggregate classification.
Comment: This variant is classified as likely benign based on ACMG/AMP sequence variant interpretation guidelines (Richards et al. 2015 PMID: 25741868, with internal and published modifications).

NM_000245.4(MET):c.3684C>T (p.Asp1228=)

Gene: MET (MET proto-oncogene, receptor tyrosine kinase; plus strand). Cytogenetic location: 7q31.2.
Variant type: single nucleotide variant.
Coding change: c.3684C>T on transcript NM_000245.4 (MANE Select); coding-DNA position 3684, C replaced by T.
Protein change: p.Asp1228=; no amino-acid change (aspartic acid 1228 retained).
Molecular consequence: synonymous variant.
Genome position (GRCh38, 1-based): chr7:116,783,355, C>T. VCF-style: chr7-116783355-C-T. GRCh37 (hg19) VCF-style: chr7-116423409-C-T.
Other names: c.3738C>T (LRG_662t1, NM_001127500.2); c.3738C>T, p.Asp1246= (NM_001127500.3); c.2394C>T, p.Asp798= (NM_001324402.2).
Identifiers: ClinVar variation 184678 (VCV000184678.19), dbSNP rs786201612, ClinGen allele CA189668.